The following is an entry in ClinVar:

ClinVar aggregate classification (germline): Uncertain significance (1 of 4 stars; one submission).

Conditions:
Familial adenomatous polyposis 1 (FAP1). Also called: FAMILIAL ADENOMATOUS POLYPOSIS 1, ATTENUATED; POLYPOSIS, ADENOMATOUS INTESTINAL. Identifiers: MedGen C2713442, MONDO:0021056, OMIM 175100. Disease mechanism: loss of function.

Allele frequency attached by ClinVar (database versions not stated): gnomAD exomes below 0.00001.
gnomAD v4.1: 1 of 466,518 alleles (0.00021%); highest among the groups gnomAD compares: East Asian, 0.004%; no homozygotes.

Submission:

Labcorp Genetics (formerly Invitae), Labcorp
Classification: Uncertain significance for Familial adenomatous polyposis 1. Last evaluated: 2025-09-28. Review status: criteria provided, single submitter. Criteria: Invitae Variant Classification Sherloc (09022015). Collection method: clinical testing. Allele origin: germline.
Comment: This variant occurs in a non-coding region of the APC gene. It does not change the encoded amino acid sequence of the APC protein. This variant is not present in population databases (gnomAD no frequency). This variant has not been reported in the literature in individuals affected with APC-related conditions. ClinVar contains an entry for this variant (Variation ID: 660746). In summary, the available evidence is currently insufficient to determine the role of this variant in disease. Therefore, it has been classified as a Variant of Uncertain Significance.

NM_001127511.3(APC):c.-201T>C

Genes: APC (APC regulator of Wnt signaling pathway; plus strand), LOC129994371 (ATAC-STARR-seq lymphoblastoid active region 22910; plus strand). Cytogenetic location: 5q22.2.
Variant type: single nucleotide variant.
Coding change: c.-201T>C on transcript NM_001127511.3; 201 bases upstream of the start codon, T replaced by C.
Molecular consequence: 5 prime UTR variant. On other transcripts: non-coding transcript variant (2).
Genome position (GRCh38, 1-based): chr5:112,707,517, T>C. VCF-style: chr5-112707517-T-C. GRCh37 (hg19) VCF-style: chr5-112043214-T-C.
Other names: c.-384T>C (NM_001354895.2, NM_001407447.1, NM_001407452.1 and 3 more transcripts); c.-201T>C (NM_001354897.2, NM_001354902.2, NM_001407446.1); c.-151T>C (NM_001407448.1, NM_001407450.1, NM_001407457.1 and 1 more transcripts); c.-175T>C (NM_001407453.1); c.-1419T>C (NM_001407470.1, NM_001407472.1).
Identifiers: ClinVar variation 660746 (VCV000660746.5), dbSNP rs1580995876, ClinGen allele CA915943577.